The following is an entry in ClinVar:

ClinVar aggregate classification (germline): Conflicting classifications of pathogenicity. Review status: criteria provided, conflicting classifications (1 of 4 stars). 3 submissions from 3 submitters: Likely pathogenic (1); Uncertain significance (2). Last evaluated 2024-07-30.

Conditions:
Gaucher disease. Also called: Acute cerebral Gaucher disease; Cerebroside lipidosis syndrome; Gaucher splenomegaly; Sphingolipidosis 1; Glucocerebrosidosis; Glucosylceramidase deficiency. Identifiers: Orphanet 355, MedGen C0017205, MONDO:0018150.

Allele frequency attached by ClinVar (database versions not stated): gnomAD exomes below 0.00001; TOPMed below 0.00001; ExAC 0.00001.

Submissions (3):

Women's Health and Genetics/Laboratory Corporation of America, LabCorp
Classification: Uncertain significance. Last evaluated: 2024-07-30. Review status: criteria provided, single submitter. Criteria: LabCorp Variant Classification Summary - May 2015. Collection method: clinical testing. Allele origin: germline.
Comment: Variant summary: GBA1 c.521A>G (p.Tyr174Cys) results in a non-conservative amino acid change located in the Glycosyl hydrolase family 30, TIM-barrel domain (IPR033453) of the encoded protein sequence. Five of five in-silico tools predict a damaging effect of the variant on protein function. The variant allele was found at a frequency of 4e-06 in 251150 control chromosomes. The available data on variant occurrences in the general population are insufficient to allow any conclusion about variant significance. c.521A>G has been reported in the literature in one prenatal case with Intrauterine growth retardation, pleural effusion, and decreased fetal movement (Fu_2022), and in several unspecified individuals with Gaucher Disease and Parkinson's Disease (Lunde_AD_2018, Drelichman_2021, Zhao_2021). These data do not allow any conclusion about variant significance. To our knowledge, no experimental evidence demonstrating an impact on protein function has been reported. The following publications have been ascertained in the context of this evaluation (PMID: 32547927, 36307859, 29792872, 34867278). ClinVar contains an entry for this variant (Variation ID: 280972). Based on the evidence outlined above, the variant was classified as uncertain significance.

Broad Center for Mendelian Genomics, Broad Institute of MIT and Harvard
Classification: Uncertain significance for Gaucher disease. Last evaluated: 2020-01-13. Review status: criteria provided, single submitter. Criteria: ACMG Guidelines, 2015. Collection method: curation. Allele origin: germline. Inheritance: Autosomal recessive inheritance.
Comment: The p.Tyr174Cys variant in GBA has not been previously reported in individuals with Gaucher disease but has been identified in 0.005% (1/18394) of East Asian chromosomes by the Genome Aggregation Database (gnomAD; dbSNP rs781152868). Although this variant has been seen in the general population, its frequency is low enough to be consistent with a recessive carrier frequency. This variant has also been reported in ClinVar (VariationID: 280972) as likely pathogenic by EGL Genetic Diagnostics. Computational prediction tools and conservation analyses suggest that this variant may impact the protein, though this information is not predictive enough to determine pathogenicity. In summary, while there is some suspicion for a pathogenic role, the clinical significance of this variant is uncertain. ACMG/AMP Criteria applied: PM2, PP3 (Richards 2015).

Eurofins Ntd Llc (ga)
Classification: Likely pathogenic. Last evaluated: 2015-08-19. Review status: criteria provided, single submitter. Criteria: EGL Classification Definitions 2015. Collection method: clinical testing. Allele origin: germline. Observed: 5 variant alleles, 5 heterozygotes.

Literature cited by the submitters: PubMed 34867278 (cited by Women's Health and Genetics/Laboratory Corporation of America, LabCorp); PubMed 32547927 (cited by Women's Health and Genetics/Laboratory Corporation of America, LabCorp); PubMed 36307859 (cited by Women's Health and Genetics/Laboratory Corporation of America, LabCorp); PubMed 29792872 (cited by Women's Health and Genetics/Laboratory Corporation of America, LabCorp).

NM_000157.4(GBA1):c.521A>G (p.Tyr174Cys)

Genes: GBA1 (glucosylceramidase beta 1; minus strand), LOC106627981 (GBA recombination region; plus strand). Cytogenetic location: 1q22.
Variant type: single nucleotide variant.
Coding change: c.521A>G on transcript NM_000157.4 (MANE Select); coding-DNA position 521, A replaced by G.
Protein change: p.Tyr174Cys; replaces tyrosine 174 with cysteine.
Molecular consequence: missense variant.
Genome position (GRCh38, 1-based): chr1:155,238,584, T>C on the plus strand (A>G on the coding strand, the complement: GBA1 is on the minus strand). VCF-style: chr1-155238584-T-C. GRCh37 (hg19) VCF-style: chr1-155208375-T-C.
Other names: c.521A>G, p.Tyr174Cys (NM_001005741.3, NM_001005742.3); c.260A>G, p.Tyr87Cys (NM_001171811.2); c.374A>G, p.Tyr125Cys (NM_001171812.2); short protein forms Y174C, Y125C, Y87C.
Identifiers: ClinVar variation 280972 (VCV000280972.8), dbSNP rs781152868, ClinGen allele CA1141727.